The following is an entry in ClinVar:

ClinVar aggregate classification (germline): Benign/Likely benign. Review status: criteria provided, multiple submitters, no conflicts (2 of 4 stars). 15 submissions from 14 submitters: Benign (5); Likely benign (7). 3 of the submissions do not count toward it. Last evaluated 2026-08-01.

Conditions:
Autosomal dominant cerebellar ataxia. Also called: Spinocerebellar Ataxia, Dominant. Identifiers: Orphanet 99, MedGen C4087347, MONDO:0020380.
Inborn genetic diseases. Identifiers: MedGen C0950123, MeSH D030342.
Charcot-Marie-Tooth disease axonal type 2O. Also called: Charcot-Marie-Tooth Neuropathy Type 2O; CHARCOT-MARIE-TOOTH NEUROPATHY, AXONAL, TYPE 2O; CHARCOT-MARIE-TOOTH DISEASE, AXONAL, AUTOSOMAL DOMINANT, TYPE 2O; Charcot-Marie-Tooth disease, axonal, type 20. Identifiers: Orphanet 284232, MedGen C3280220, MONDO:0013644, OMIM 614228.
Charcot-Marie-Tooth disease. Also called: Charcot-Marie-Tooth Neuropathy; Charcot-Marie-Tooth Hereditary Neuropathy. Identifiers: Orphanet 166, MedGen C0007959, MONDO:0015626.

Allele frequency attached by ClinVar (database versions not stated): ExAC 0.00074; gnomAD 0.00075 and 0.00078; gnomAD exomes 0.00080 and 0.00146; TOPMed 0.00094; ESP Exome Variant Server 0.00108.
gnomAD v4.1: 2,214 of 1,613,982 alleles (0.14%); highest among the groups gnomAD compares: Non-Finnish European, 0.18%; 4 homozygotes.

Submissions (15):

CeGaT Center for Human Genetics Tuebingen
Classification: Likely benign. Last evaluated: 2026-08-01. Review status: criteria provided, single submitter. Criteria: CeGaT Center For Human Genetics Tuebingen Variant Classification Criteria Version 2. Collection method: clinical testing. Allele origin: germline. Affected: yes. Observed: 10 variant alleles.
Comment: DYNC1H1: BP4, BS1

Labcorp Genetics (formerly Invitae), Labcorp
Classification: Benign for Charcot-Marie-Tooth disease axonal type 2O. Last evaluated: 2026-02-02. Review status: criteria provided, single submitter. Criteria: Invitae Variant Classification Sherloc (09022015). Collection method: clinical testing. Allele origin: germline.

ARUP Laboratories, Molecular Genetics and Genomics, ARUP Laboratories
Classification: Benign. Last evaluated: 2025-07-17. Review status: criteria provided, single submitter. Criteria: ARUP Molecular Germline Variant Investigation Process 2024. Collection method: clinical testing. Allele origin: germline.

Blueprint Genetics
Classification: Likely benign. Last evaluated: 2024-11-27. Review status: criteria provided, single submitter. Criteria: ACMG Guidelines, 2015. Collection method: clinical testing. Allele origin: germline.

Mayo Clinic Laboratories, Mayo Clinic
Classification: Benign. Last evaluated: 2023-12-07. Review status: criteria provided, single submitter. Criteria: ACMG Guidelines, 2015. Collection method: clinical testing. Allele origin: germline. Observed: 4 variant alleles.
Comment: BS1, BS2, BP4, BP7

Ambry Genetics
Classification: Likely benign for Inborn genetic diseases. Last evaluated: 2019-08-30. Review status: criteria provided, single submitter. Criteria: Ambry Variant Classification Scheme 2023. Collection method: clinical testing. Allele origin: germline.

Athena Diagnostics
Classification: Benign. Last evaluated: 2019-05-20. Review status: criteria provided, single submitter. Criteria: Athena Diagnostics Criteria. Collection method: clinical testing. Allele origin: germline.

Illumina Laboratory Services, Illumina
Classification: Likely benign for Charcot-Marie-Tooth disease axonal type 2O. Last evaluated: 2018-01-12. Review status: criteria provided, single submitter. Criteria: ICSL Variant Classification Criteria 13 December 2019. Collection method: clinical testing. Allele origin: germline.
Comment: This variant was observed in the ICSL laboratory as part of a predisposition screen in an ostensibly healthy population. It had not been previously curated by ICSL or reported in the Human Gene Mutation Database (HGMD: prior to June 1st, 2018), and was therefore a candidate for classification through an automated scoring system. Utilizing variant allele frequency, disease prevalence and penetrance estimates, and inheritance mode, an automated score was calculated to assess if this variant is too frequent to cause the disease. Based on the score and internal cut-off values, a variant classified as likely benign is not then subjected to further curation. The score for this variant resulted in a classification of likely benign for this disease.

Illumina Laboratory Services, Illumina
Classification: Likely benign for Spinocerebellar Ataxia, Dominant. Last evaluated: 2018-01-12. Review status: criteria provided, single submitter. Criteria: ICSL Variant Classification Criteria 13 December 2019. Collection method: clinical testing. Allele origin: germline.
Comment: the same text as in the submission from Illumina Laboratory Services, Illumina above.

Genetic Services Laboratory, University of Chicago
Classification: Likely benign. Last evaluated: 2015-06-23. Review status: criteria provided, single submitter. Criteria: ACMG Guidelines, 2015. Collection method: clinical testing. Allele origin: germline.

GeneDx
Classification: Benign. Last evaluated: 2015-03-03. Review status: criteria provided, single submitter. Criteria: GeneDx Variant Classification Process June 2021. Collection method: clinical testing. Allele origin: germline. Affected: yes.

Molecular Genetics Laboratory, London Health Sciences Centre
Classification: Likely benign for Charcot-Marie-Tooth disease. Review status: criteria provided, single submitter. Criteria: ACMG Guidelines, 2015. Collection method: clinical testing. Allele origin: germline. Affected: yes.

Clinical Genetics DNA and cytogenetics Diagnostics Lab, Erasmus MC, Erasmus Medical Center
Classification: Likely benign. Review status: no assertion criteria provided. Collection method: clinical testing. Allele origin: germline. Affected: yes. Study: VKGL Data-share Consensus. Not counted in ClinVar's aggregate classification.

Clinical Genetics, Academic Medical Center
Classification: Benign. Review status: no assertion criteria provided. Collection method: clinical testing. Allele origin: germline. Affected: yes. Study: VKGL Data-share Consensus. Not counted in ClinVar's aggregate classification.

Genome Diagnostics Laboratory, University Medical Center Utrecht
Classification: Likely benign. Review status: no assertion criteria provided. Collection method: clinical testing. Allele origin: germline. Affected: yes. Study: VKGL Data-share Consensus. Not counted in ClinVar's aggregate classification.

NM_001376.5(DYNC1H1):c.2719-6C>T

Gene: DYNC1H1 (dynein cytoplasmic 1 heavy chain 1; plus strand). Cytogenetic location: 14q32.31.
Variant type: single nucleotide variant.
Coding change: c.2719-6C>T on transcript NM_001376.5 (MANE Select); 6 bases into the intron before coding-DNA position 2719, C replaced by T.
Molecular consequence: intron variant.
Genome position (GRCh38, 1-based): chr14:101,988,697, C>T. VCF-style: chr14-101988697-C-T. GRCh37 (hg19) VCF-style: chr14-102455034-C-T.
Other names: p.?.
Identifiers: ClinVar variation 210868 (VCV000210868.61), dbSNP rs199763298, ClinGen allele CA206008.